The following is an entry in ClinVar:

ClinVar aggregate classification (germline): Uncertain significance (1 of 4 stars; one submission).

Submission:

Labcorp Genetics (formerly Invitae), Labcorp
Classification: Uncertain significance. Last evaluated: 2026-01-17. Review status: criteria provided, single submitter. Criteria: Invitae Variant Classification Sherloc (09022015). Collection method: clinical testing. Allele origin: germline.
Comment: This sequence change creates a premature translational stop signal (p.Pro192Leufs*17) in the KIAA1549 gene. It is expected to result in an absent or disrupted protein product. However, the current clinical and genetic evidence is not sufficient to establish whether loss-of-function variants in KIAA1549 cause disease. This variant is not present in population databases (gnomAD no frequency). This variant has not been reported in the literature in individuals affected with KIAA1549-related conditions. In summary, the available evidence is currently insufficient to determine the role of this variant in disease. Therefore, it has been classified as a Variant of Uncertain Significance.

NM_001164665.2(KIAA1549):c.575del (p.Pro192fs)

Gene: KIAA1549 (KIAA1549; minus strand). Cytogenetic location: 7q34.
Variant type: Deletion.
Coding change: c.575del on transcript NM_001164665.2 (MANE Select); coding-DNA position 575, one base deleted (C; older notation c.575delC).
Protein change: p.Pro192fs; shifts the reading frame from proline 192.
Molecular consequence: frameshift variant.
Genome position (GRCh38, 1-based): chr7:138,919,051, G deleted on the plus strand (C on the coding strand, the reverse complement: KIAA1549 is on the minus strand); the first of 2 consecutive G bases (chr7:138,919,051-138,919,052); deleting either gives the same sequence. VCF-style (leftmost placement, unchanged base first): chr7-138919050-AG-A. GRCh37 (hg19) VCF-style: chr7-138603796-AG-A.
Other names: c.575del, p.Pro192fs (NM_020910.3); short protein forms P192fs.
Identifiers: ClinVar variation 4735542 (VCV004735542.1).